The following is an entry in ClinVar:

ClinVar aggregate classification (germline): Uncertain significance. Review status: criteria provided, multiple submitters, no conflicts (2 of 4 stars). 2 submissions from 2 submitters: Uncertain significance (2). Last evaluated 2023-04-18.

Conditions:
Hereditary cancer-predisposing syndrome. Also called: Hereditary Cancer Syndrome; Tumor predisposition; Neoplastic Syndromes, Hereditary; Hereditary neoplastic syndrome. Identifiers: Orphanet 140162, MedGen C0027672, MeSH D009386, MONDO:0015356.

Submissions (2):

Ambry Genetics
Classification: Uncertain significance for Hereditary cancer-predisposing syndrome. Last evaluated: 2023-04-18. Review status: criteria provided, single submitter. Criteria: Ambry Variant Classification Scheme 2023. Collection method: clinical testing. Allele origin: germline.
Comment: The p.E591K variant (also known as c.1771G>A), located in coding exon 16 of the POLE gene, results from a G to A substitution at nucleotide position 1771. The glutamic acid at codon 591 is replaced by lysine, an amino acid with similar properties. This amino acid position is conserved. In addition, this alteration is predicted to be tolerated by in silico analysis. Since supporting evidence is limited at this time, the clinical significance of this alteration remains unclear.

Labcorp Genetics (formerly Invitae), Labcorp
Classification: Uncertain significance. Last evaluated: 2022-02-21. Review status: criteria provided, single submitter. Criteria: Invitae Variant Classification Sherloc (09022015). Collection method: clinical testing. Allele origin: germline.
Comment: In summary, the available evidence is currently insufficient to determine the role of this variant in disease. Therefore, it has been classified as a Variant of Uncertain Significance. Algorithms developed to predict the effect of missense changes on protein structure and function (SIFT, PolyPhen-2, Align-GVGD) all suggest that this variant is likely to be tolerated. This variant has not been reported in the literature in individuals affected with POLE-related conditions. This variant is not present in population databases (gnomAD no frequency). This sequence change replaces glutamic acid, which is acidic and polar, with lysine, which is basic and polar, at codon 591 of the POLE protein (p.Glu591Lys).

NM_006231.4(POLE):c.1771G>A (p.Glu591Lys)

Gene: POLE (DNA polymerase epsilon, catalytic subunit; minus strand). Cytogenetic location: 12q24.33.
Variant type: single nucleotide variant.
Coding change: c.1771G>A on transcript NM_006231.4 (MANE Select); coding-DNA position 1771, G replaced by A.
Protein change: p.Glu591Lys; replaces glutamic acid 591 with lysine.
Molecular consequence: missense variant.
Genome position (GRCh38, 1-based): chr12:132,672,238, C>T on the plus strand (G>A on the coding strand, the complement: POLE is on the minus strand). VCF-style: chr12-132672238-C-T. GRCh37 (hg19) VCF-style: chr12-133248824-C-T.
Other names: c.1771G>A (NM_006231.2); short protein forms E591K.
Identifiers: ClinVar variation 2099731 (VCV002099731.6), dbSNP rs2042944634, ClinGen allele CA387356253.